The following is an entry in ClinVar:

NM_004006.3(DMD):c.1339A>T (p.Arg447Ter)

Gene: DMD (dystrophin; minus strand). Cytogenetic location: Xp21.1.
Variant type: single nucleotide variant.
Coding change: c.1339A>T on transcript NM_004006.3 (MANE Select); coding-DNA position 1339, A replaced by T.
Protein change: p.Arg447Ter; replaces arginine 447 with a stop codon.
Molecular consequence: nonsense.
Genome position (GRCh38, 1-based): chrX:32,614,446, T>A on the plus strand (A>T on the coding strand, the complement: DMD is on the minus strand). VCF-style: chrX-32614446-T-A. GRCh37 (hg19) VCF-style: chrX-32632563-T-A.
Other names: c.1315A>T, p.Arg439Ter (NM_000109.4); c.1327A>T, p.Arg443Ter (NM_004009.3); c.970A>T, p.Arg324Ter (NM_004010.3); short protein forms R324*, R439*, R443*, R447*.
Identifiers: ClinVar variation 1074009 (VCV001074009.10), dbSNP rs2149350435, ClinGen allele CA412670517.

ClinVar aggregate classification (germline): Pathogenic (1 of 4 stars; one submission).

Conditions:
Duchenne muscular dystrophy (DMD). Also called: MUSCULAR DYSTROPHY, PSEUDOHYPERTROPHIC PROGRESSIVE, DUCHENNE TYPE; Duchenne Muscular Dystrophy (DMD). Identifiers: Orphanet 98896, MedGen C0013264, MONDO:0010679, OMIM 310200.

Submission:

Labcorp Genetics (formerly Invitae), Labcorp
Classification: Pathogenic for Duchenne muscular dystrophy. Last evaluated: 2020-10-27. Review status: criteria provided, single submitter. Criteria: Invitae Variant Classification Sherloc (09022015). Collection method: clinical testing. Allele origin: germline.
Comment: This sequence change creates a premature translational stop signal (p.Arg447*) in the DMD gene. It is expected to result in an absent or disrupted protein product. Loss-of-function variants in DMD are known to be pathogenic (PMID: 16770791, 25007885). This variant is not present in population databases (ExAC no frequency). This variant has been observed in individual(s) with Duchenne Muscular Dystrophy (PMID: 28859693, 30833962). For these reasons, this variant has been classified as Pathogenic.

Literature cited by the submitters: PubMed 16770791; PubMed 25007885; PubMed 28859693; PubMed 30833962.